The following is an entry in ClinVar:

NM_033028.5(BBS4):c.434A>G (p.Tyr145Cys)

Gene: BBS4 (Bardet-Biedl syndrome 4; plus strand). Cytogenetic location: 15q24.1.
Variant type: single nucleotide variant.
Coding change: c.434A>G on transcript NM_033028.5 (MANE Select); coding-DNA position 434, A replaced by G.
Protein change: p.Tyr145Cys; replaces tyrosine 145 with cysteine.
Molecular consequence: missense variant. On other transcripts: 5 prime UTR variant (1), non-coding transcript variant (2).
Genome position (GRCh38, 1-based): chr15:72,722,822, A>G. VCF-style: chr15-72722822-A-G. GRCh37 (hg19) VCF-style: chr15-73015163-A-G.
Other names: c.434A>G (NM_033028.3); c.-83A>G (NM_001252678.2); c.434A>G, p.Tyr145Cys (NM_001320665.2); short protein forms Y145C.
Identifiers: ClinVar variation 1979068 (VCV001979068.4), dbSNP rs764423333, ClinGen allele CA7646625.
Genomic context (GRCh38, chr15:72,722,822, plus strand): 5'-TGAGTTGTTTTCCTTCTTTTTTATGAGCCTAGGAGATCAGCCATAACCTAGGAGTTTGCT[A>G]CATATACCTGAAGCAGTTCAACAAGGTAATTTATAGAAGTGGTGATAGATTTCACTGAGG-3'
Protein context (NP_149017.2, residues 135-155): WEISHNLGVC[Tyr145Cys]IYLKQFNKAQ

ClinVar aggregate classification (germline): Uncertain significance. Review status: criteria provided, multiple submitters, no conflicts (2 of 4 stars). 2 submissions from 2 submitters: Uncertain significance (2). Last evaluated 2025-12-08.

Conditions:
Bardet-Biedl syndrome (BBS). Identifiers: Orphanet 110, MedGen C0752166, MONDO:0015229.
Inborn genetic diseases. Identifiers: MedGen C0950123, MeSH D030342.

Allele frequency attached by ClinVar (database versions not stated): gnomAD exomes below 0.00001; ExAC 0.00002.
gnomAD v4.1: 6 of 1,613,940 alleles (0.00037%); highest among the groups gnomAD compares: Non-Finnish European, 0.00042%; no homozygotes.

Submissions (2):

Labcorp Genetics (formerly Invitae), Labcorp
Classification: Uncertain significance for Bardet-Biedl syndrome. Last evaluated: 2025-12-08. Review status: criteria provided, single submitter. Criteria: Invitae Variant Classification Sherloc (09022015). Collection method: clinical testing. Allele origin: germline.
Comment: This sequence change replaces tyrosine, which is neutral and polar, with cysteine, which is neutral and slightly polar, at codon 145 of the BBS4 protein (p.Tyr145Cys). This variant is present in population databases (rs764423333, gnomAD 0.004%). This variant has not been reported in the literature in individuals affected with BBS4-related conditions. ClinVar contains an entry for this variant (Variation ID: 1979068). Invitae Evidence Modeling of protein sequence and biophysical properties (such as structural, functional, and spatial information, amino acid conservation, physicochemical variation, residue mobility, and thermodynamic stability) indicates that this missense variant is not expected to disrupt BBS4 protein function with a negative predictive value of 80%. In summary, the available evidence is currently insufficient to determine the role of this variant in disease. Therefore, it has been classified as a Variant of Uncertain Significance.

Ambry Genetics
Classification: Uncertain significance for Inborn genetic diseases. Last evaluated: 2024-11-09. Review status: criteria provided, single submitter. Criteria: Ambry Variant Classification Scheme 2023. Collection method: clinical testing. Allele origin: germline.